The following is an entry in ClinVar:

ClinVar aggregate classification (germline): Uncertain significance. Review status: criteria provided, multiple submitters, no conflicts (2 of 4 stars). 3 submissions from 3 submitters: Uncertain significance (3). Last evaluated 2026-01-12.

Conditions:
Inborn genetic diseases. Identifiers: MedGen C0950123, MeSH D030342.
Hereditary hyperekplexia. Identifiers: Orphanet 3197, MedGen C4084968, MONDO:0021022.

Allele frequency attached by ClinVar (database versions not stated): ExAC 0.00001; gnomAD 0.00001; gnomAD exomes 0.00001; TOPMed 0.00002.
gnomAD v4.1: 16 of 1,612,250 alleles (0.00099%); highest among the groups gnomAD compares: South Asian, 0.0033%; no homozygotes.

Submissions (3):

Labcorp Genetics (formerly Invitae), Labcorp
Classification: Uncertain significance for Hereditary hyperekplexia. Last evaluated: 2026-01-12. Review status: criteria provided, single submitter. Criteria: Invitae Variant Classification Sherloc (09022015). Collection method: clinical testing. Allele origin: germline.
Comment: This sequence change replaces valine, which is neutral and non-polar, with isoleucine, which is neutral and non-polar, at codon 446 of the GLRA1 protein (p.Val446Ile). This variant is present in population databases (rs759799079, gnomAD 0.006%). This variant has not been reported in the literature in individuals affected with GLRA1-related conditions. ClinVar contains an entry for this variant (Variation ID: 2196274). Invitae Evidence Modeling of protein sequence and biophysical properties (such as structural, functional, and spatial information, amino acid conservation, physicochemical variation, residue mobility, and thermodynamic stability) indicates that this missense variant is not expected to disrupt GLRA1 protein function with a negative predictive value of 95%. In summary, the available evidence is currently insufficient to determine the role of this variant in disease. Therefore, it has been classified as a Variant of Uncertain Significance.

Blueprint Genetics
Classification: Uncertain significance. Last evaluated: 2024-09-23. Review status: criteria provided, single submitter. Criteria: ACMG Guidelines, 2015. Collection method: clinical testing. Allele origin: germline.

Ambry Genetics
Classification: Uncertain significance for Inborn genetic diseases. Last evaluated: 2024-07-06. Review status: criteria provided, single submitter. Criteria: Ambry Variant Classification Scheme 2023. Collection method: clinical testing. Allele origin: germline.

NM_000171.4(GLRA1):c.1336G>A (p.Val446Ile)

Gene: GLRA1 (glycine receptor alpha 1; minus strand). Cytogenetic location: 5q33.1.
Variant type: single nucleotide variant.
Coding change: c.1336G>A on transcript NM_000171.4 (MANE Select); coding-DNA position 1336, G replaced by A.
Protein change: p.Val446Ile; replaces valine 446 with isoleucine.
Molecular consequence: missense variant.
Genome position (GRCh38, 1-based): chr5:151,822,687, C>T on the plus strand (G>A on the coding strand, the complement: GLRA1 is on the minus strand). VCF-style: chr5-151822687-C-T. GRCh37 (hg19) VCF-style: chr5-151202248-C-T.
Other names: c.1360G>A, p.Val454Ile (NM_001146040.2); c.1087G>A, p.Val363Ile (NM_001292000.2); c.1336G>A (NM_000171.3); short protein forms V363I, V446I, V454I.
Identifiers: ClinVar variation 2196274 (VCV002196274.6), dbSNP rs759799079, ClinGen allele CA3523454.